The following is an entry in ClinVar:

NM_000135.4(FANCA):c.1953del (p.Gln652fs)

Gene: FANCA (FA complementation group A; minus strand). Cytogenetic location: 16q24.3.
Variant type: Deletion.
Coding change: c.1953del on transcript NM_000135.4 (MANE Select); coding-DNA position 1953, one base deleted (A; older notation c.1953delA).
Protein change: p.Gln652fs; shifts the reading frame from glutamine 652.
Molecular consequence: frameshift variant.
Genome position (GRCh38, 1-based): chr16:89,773,332, T deleted on the plus strand (A on the coding strand, the reverse complement: FANCA is on the minus strand). VCF-style (leftmost placement, unchanged base first): chr16-89773331-GT-G. GRCh37 (hg19) VCF-style: chr16-89839739-GT-G.
Other names: c.1953del, p.Gln652fs (NM_001286167.3); short protein forms Q652fs.
Identifiers: ClinVar variation 2853124 (VCV002853124.3), dbSNP rs2544207520, ClinGen allele CA2739266968.

ClinVar aggregate classification (germline): Pathogenic (1 of 4 stars; one submission).

Conditions:
Fanconi anemia (FA). Also called: Fanconi's anemia. Identifiers: Orphanet 84, MedGen C0015625, MeSH D005199, MONDO:0019391.

Submission:

Labcorp Genetics (formerly Invitae), Labcorp
Classification: Pathogenic for Fanconi anemia. Last evaluated: 2023-10-28. Review status: criteria provided, single submitter. Criteria: Invitae Variant Classification Sherloc (09022015). Collection method: clinical testing. Allele origin: germline.
Comment: This sequence change creates a premature translational stop signal (p.Gln652Serfs*9) in the FANCA gene. It is expected to result in an absent or disrupted protein product. Loss-of-function variants in FANCA are known to be pathogenic (PMID: 19367192). This variant is not present in population databases (gnomAD no frequency). This variant has not been reported in the literature in individuals affected with FANCA-related conditions. Algorithms developed to predict the effect of sequence changes on RNA splicing suggest that this variant may disrupt the consensus splice site. For these reasons, this variant has been classified as Pathogenic.

Literature cited by the submitters: PubMed 19367192.